The following is an entry in ClinVar:

ClinVar aggregate classification (germline): Conflicting classifications of pathogenicity. Review status: criteria provided, conflicting classifications (1 of 4 stars). 3 submissions from 3 submitters: Uncertain significance (2); Likely benign (1). Last evaluated 2024-12-09.

Conditions:
Connective tissue disorder. Also called: Connective tissue disease. Identifiers: MedGen C0009782, MONDO:0003900.
Chondrodysplasia punctata, brachytelephalangic, autosomal. Also called: BRACHYTELEPHALANGIC CHONDRODYSPLASIA PUNCTATA. Identifiers: MedGen C1844853, MONDO:0011238, OMIM 602497.
Inborn genetic diseases. Identifiers: MedGen C0950123, MeSH D030342.

Allele frequency attached by ClinVar (database versions not stated): gnomAD 0.00003; gnomAD exomes 0.00007 and 0.00015; TOPMed 0.00006; ExAC 0.00012; ESP Exome Variant Server 0.00019.
gnomAD v4.1: 167 of 1,210,723 alleles (0.014%); highest among the groups gnomAD compares: Non-Finnish European, 0.018%; no homozygotes.

Submissions (3):

Ambry Genetics
Classification: Likely benign for Inborn genetic diseases. Last evaluated: 2024-12-09. Review status: criteria provided, single submitter. Criteria: Ambry Variant Classification Scheme 2023. Collection method: clinical testing. Allele origin: germline.

Labcorp Genetics (formerly Invitae), Labcorp
Classification: Uncertain significance for Chondrodysplasia punctata, brachytelephalangic, autosomal. Last evaluated: 2024-02-24. Review status: criteria provided, single submitter. Criteria: Invitae Variant Classification Sherloc (09022015). Collection method: clinical testing. Allele origin: germline.
Comment: This sequence change replaces leucine, which is neutral and non-polar, with phenylalanine, which is neutral and non-polar, at codon 94 of the ARSE protein (p.Leu94Phe). This variant is present in population databases (rs141210068, gnomAD 0.01%). This variant has not been reported in the literature in individuals affected with ARSE-related conditions. ClinVar contains an entry for this variant (Variation ID: 1683203). Advanced modeling of protein sequence and biophysical properties (such as structural, functional, and spatial information, amino acid conservation, physicochemical variation, residue mobility, and thermodynamic stability) has been performed at Invitae for this missense variant, however the output from this modeling did not meet the statistical confidence thresholds required to predict the impact of this variant on ARSE protein function. In summary, the available evidence is currently insufficient to determine the role of this variant in disease. Therefore, it has been classified as a Variant of Uncertain Significance.

Genome Diagnostics Laboratory, The Hospital for Sick Children
Classification: Uncertain significance for Connective tissue disorder. Last evaluated: 2022-02-07. Review status: criteria provided, single submitter. Criteria: ACMG Guidelines, 2015. Collection method: clinical testing. Allele origin: germline.

NM_000047.3(ARSL):c.280C>T (p.Leu94Phe)

Gene: ARSL (arylsulfatase L; minus strand). Cytogenetic location: Xp22.33.
Variant type: single nucleotide variant.
Coding change: c.280C>T on transcript NM_000047.3 (MANE Select); coding-DNA position 280, C replaced by T.
Protein change: p.Leu94Phe; replaces leucine 94 with phenylalanine.
Molecular consequence: missense variant.
Genome position (GRCh38, 1-based): chrX:2,955,443, G>A on the plus strand (C>T on the coding strand, the complement: ARSL is on the minus strand). VCF-style: chrX-2955443-G-A. GRCh37 (hg19) VCF-style: chrX-2873484-G-A.
Other names: c.355C>T, p.Leu119Phe (NM_001282628.2, NM_001369080.1); c.118C>T, p.Leu40Phe (NM_001282631.2); c.307C>T, p.Leu103Phe (NM_001369079.1); short protein forms L103F, L119F, L40F, L94F.
Identifiers: ClinVar variation 1683203 (VCV001683203.11), dbSNP rs141210068, ClinGen allele CA10338225.
Genomic context (GRCh38, chrX:2,955,443, plus strand): 5'-TGCACCCTAGTGCAGTTGTAAAGAGAGACTGACCTGATCGCACAGGGTATCTGCCCGTGA[G>A]GAAGGCGGCTCTGCTTGGGGTGCACAAAGATGCGGCAGAGATGTGTTGGGTCAGCTTCAC-3'
Protein context (NP_000038.2, residues 84-104): SLCTPSRAAF[Leu94Phe]TGRYPVRSGM